The following is an entry in ClinVar:

NM_006214.4(PHYH):c.272A>C (p.Lys91Thr)

Gene: PHYH (phytanoyl-CoA 2-hydroxylase; minus strand). Cytogenetic location: 10p13.
Variant type: single nucleotide variant.
Coding change: c.272A>C on transcript NM_006214.4 (MANE Select); coding-DNA position 272, A replaced by C.
Protein change: p.Lys91Thr; replaces lysine 91 with threonine.
Molecular consequence: missense variant. On other transcripts: 5 prime UTR variant (3).
Genome position (GRCh38, 1-based): chr10:13,294,570, T>G on the plus strand (A>C on the coding strand, the complement: PHYH is on the minus strand). VCF-style: chr10-13294570-T-G. GRCh37 (hg19) VCF-style: chr10-13336570-T-G.
Other names: c.-29A>C (NM_001037537.2, NM_001323080.2, NM_001323084.2); c.272A>C, p.Lys91Thr (NM_001323082.2, NM_001323083.2); short protein forms K91T.
Identifiers: ClinVar variation 2042538 (VCV002042538.4), dbSNP rs1182917798, ClinGen allele CA376037369.

ClinVar aggregate classification (germline): Uncertain significance (1 of 4 stars; one submission).

Submission:

Labcorp Genetics (formerly Invitae), Labcorp
Classification: Uncertain significance. Last evaluated: 2023-08-10. Review status: criteria provided, single submitter. Criteria: Invitae Variant Classification Sherloc (09022015). Collection method: clinical testing. Allele origin: germline.
Comment: This sequence change replaces lysine, which is basic and polar, with threonine, which is neutral and polar, at codon 91 of the PHYH protein (p.Lys91Thr). In summary, the available evidence is currently insufficient to determine the role of this variant in disease. Therefore, it has been classified as a Variant of Uncertain Significance. Advanced modeling of protein sequence and biophysical properties (such as structural, functional, and spatial information, amino acid conservation, physicochemical variation, residue mobility, and thermodynamic stability) performed at Invitae indicates that this missense variant is not expected to disrupt PHYH protein function. ClinVar contains an entry for this variant (Variation ID: 2042538). This variant has not been reported in the literature in individuals affected with PHYH-related conditions. This variant is not present in population databases (gnomAD no frequency).